The following is an entry in ClinVar:

NM_001012720.2(RGR):c.358+5G>A

Gene: RGR (retinal G protein coupled receptor; plus strand). Cytogenetic location: 10q23.1.
Variant type: single nucleotide variant.
Coding change: c.358+5G>A on transcript NM_001012720.2 (MANE Select); 5 bases into the intron after coding-DNA position 358, G replaced by A.
Molecular consequence: intron variant.
Genome position (GRCh38, 1-based): chr10:84,249,048, G>A. VCF-style: chr10-84249048-G-A. GRCh37 (hg19) VCF-style: chr10-86008804-G-A.
Other names: c.370+5G>A (NM_002921.4); c.358+5G>A (NM_001012722.2, NM_001012720.1).
Identifiers: ClinVar variation 4908439 (VCV004908439.2).

ClinVar aggregate classification (germline): Uncertain significance. Review status: criteria provided, multiple submitters, no conflicts (2 of 4 stars). 2 submissions from 2 submitters: Uncertain significance (2). Last evaluated 2025-05-03.

Conditions:
RGR-related disorder. Also called: RGR-related condition.

Submissions (2):

PreventionGenetics, part of Exact Sciences
Classification: Uncertain significance for RGR-related condition. Last evaluated: 2025-05-03. Review status: criteria provided, single submitter. Criteria: ACMG Guidelines, 2015. Collection method: clinical testing. Allele origin: germline.
Comment: The RGR c.358+5G>A variant is predicted to interfere with splicing. This variant is predicted to alter splicing based on available splicing prediction programs (SpliceAI, Jaganathan et al. 2019. PubMed ID: 30661751). However, the use of computer prediction programs is not equivalent to functional evidence. To our knowledge, this variant has not been reported in the literature. This variant is reported in 0.0031% of alleles in individuals of European (Non-Finnish) descent in gnomAD. At this time, the clinical significance of this variant is uncertain due to the absence of conclusive functional and genetic evidence.

Blueprint Genetics
Classification: Uncertain significance. Last evaluated: 2020-02-07. Review status: criteria provided, single submitter. Criteria: ACMG Guidelines, 2015. Collection method: clinical testing. Allele origin: germline.